The following is an entry in ClinVar:

NM_004655.4(AXIN2):c.1802G>C (p.Gly601Ala)

Gene: AXIN2 (axin 2; minus strand). Cytogenetic location: 17q24.1.
Variant type: single nucleotide variant.
Coding change: c.1802G>C on transcript NM_004655.4 (MANE Select); coding-DNA position 1802, G replaced by C.
Protein change: p.Gly601Ala; replaces glycine 601 with alanine.
Molecular consequence: missense variant. On other transcripts: intron variant (1).
Genome position (GRCh38, 1-based): chr17:65,536,974, C>G on the plus strand (G>C on the coding strand, the complement: AXIN2 is on the minus strand). VCF-style: chr17-65536974-C-G. GRCh37 (hg19) VCF-style: chr17-63533092-C-G.
Other names: c.1802G>C (LRG_296t1); c.1712+350G>C (NM_001363813.1); short protein forms G601A.
Identifiers: ClinVar variation 408769 (VCV000408769.12), dbSNP rs764140840, ClinGen allele CA8718527.

ClinVar aggregate classification (germline): Conflicting classifications of pathogenicity. Review status: criteria provided, conflicting classifications (1 of 4 stars). 3 submissions from 3 submitters: Uncertain significance (2); Benign (1). Last evaluated 2025-12-13.

Conditions:
Hereditary cancer-predisposing syndrome. Also called: Hereditary Cancer Syndrome; Hereditary neoplastic syndrome; Neoplastic Syndromes, Hereditary; Tumor predisposition. Identifiers: Orphanet 140162, MedGen C0027672, MeSH D009386, MONDO:0015356.
Oligodontia-cancer predisposition syndrome. Also called: TOOTH AGENESIS-COLORECTAL CANCER SYNDROME. Identifiers: Orphanet 300576, MedGen C1837750, MONDO:0012075, OMIM 608615. Disease mechanism: loss of function.

Allele frequency attached by ClinVar (database versions not stated): gnomAD 0.00001; TOPMed 0.00002; gnomAD exomes 0.00005; ExAC 0.00006.
gnomAD v4.1: 10 of 1,612,924 alleles (0.00062%); highest among the groups gnomAD compares: East Asian, 0.022%; no homozygotes.

Submissions (3):

Labcorp Genetics (formerly Invitae), Labcorp
Classification: Uncertain significance for Oligodontia-cancer predisposition syndrome. Last evaluated: 2025-12-13. Review status: criteria provided, single submitter. Criteria: Invitae Variant Classification Sherloc (09022015). Collection method: clinical testing. Allele origin: germline.
Comment: This sequence change replaces glycine, which is neutral and non-polar, with alanine, which is neutral and non-polar, at codon 601 of the AXIN2 protein (p.Gly601Ala). This variant is present in population databases (rs764140840, gnomAD 0.07%). This missense change has been observed in individual(s) with breast cancer and rectal cancer (PMID: 30093976, 31769227). ClinVar contains an entry for this variant (Variation ID: 408769). An algorithm developed to predict the effect of missense changes on protein structure and function (PolyPhen-2) suggests that this variant is likely to be tolerated. In summary, the available evidence is currently insufficient to determine the role of this variant in disease. Therefore, it has been classified as a Variant of Uncertain Significance.

GeneDx
Classification: Uncertain significance. Last evaluated: 2023-10-27. Review status: criteria provided, single submitter. Criteria: GeneDx Variant Classification Process June 2021. Collection method: clinical testing. Allele origin: germline. Affected: yes.
Comment: In silico analysis supports that this missense variant does not alter protein structure/function; This variant is associated with the following publications: (PMID: 30093976, 31769227)

Ambry Genetics
Classification: Benign for Hereditary cancer-predisposing syndrome. Last evaluated: 2023-06-01. Review status: criteria provided, single submitter. Criteria: Ambry Variant Classification Scheme 2023. Collection method: clinical testing. Allele origin: germline.

Literature cited by the submitters: PubMed 30093976 (cited by Labcorp Genetics (formerly Invitae), Labcorp and Ambry Genetics); PubMed 31769227 (cited by Labcorp Genetics (formerly Invitae), Labcorp and Ambry Genetics).